The following is an entry in ClinVar:

ClinVar aggregate classification (germline): Uncertain significance (1 of 4 stars; one submission).

gnomAD v4.1: 5 of 1,614,066 alleles (0.00031%); highest among the groups gnomAD compares: African/African-American, 0.004%; no homozygotes.

Submission:

Labcorp Genetics (formerly Invitae), Labcorp
Classification: Uncertain significance. Last evaluated: 2024-03-21. Review status: criteria provided, single submitter. Criteria: Invitae Variant Classification Sherloc (09022015). Collection method: clinical testing. Allele origin: germline.
Comment: This sequence change replaces arginine, which is basic and polar, with serine, which is neutral and polar, at codon 108 of the TSEN34 protein (p.Arg108Ser). This variant is present in population databases (no rsID available, gnomAD 0.06%). This variant has not been reported in the literature in individuals affected with TSEN34-related conditions. An algorithm developed to predict the effect of missense changes on protein structure and function (PolyPhen-2) suggests that this variant is likely to be tolerated. In summary, the available evidence is currently insufficient to determine the role of this variant in disease. Therefore, it has been classified as a Variant of Uncertain Significance.

NM_001077446.4(TSEN34):c.322C>A (p.Arg108Ser)

Gene: TSEN34 (tRNA splicing endonuclease subunit 34; plus strand). Cytogenetic location: 19q13.42.
Variant type: single nucleotide variant.
Coding change: c.322C>A on transcript NM_001077446.4 (MANE Select); coding-DNA position 322, C replaced by A.
Protein change: p.Arg108Ser; replaces arginine 108 with serine.
Molecular consequence: missense variant.
Genome position (GRCh38, 1-based): chr19:54,191,799, C>A. VCF-style: chr19-54191799-C-A. GRCh37 (hg19) VCF-style: chr19-54695650-C-A.
Other names: c.322C>A, p.Arg108Ser (NM_001282332.2, NM_001282333.2, NM_001386740.1 and 1 more transcripts); short protein forms R108S.
Identifiers: ClinVar variation 3687233 (VCV003687233.2).